The following is an entry in ClinVar:

ClinVar aggregate classification (germline): Pathogenic (1 of 4 stars; one submission).

Conditions:
BAP1-related tumor predisposition syndrome (TPDS1). Also called: COMMON Syndrome; TUMOR PREDISPOSITION SYNDROME 1; BAP1 tumor predisposition syndrome; Tumor susceptibility linked to germline BAP1 mutations. Identifiers: Orphanet 289539, MedGen C3280492, MONDO:0013692, OMIM 614327.

Submission:

Labcorp Genetics (formerly Invitae), Labcorp
Classification: Pathogenic for BAP1-related tumor predisposition syndrome. Last evaluated: 2023-03-12. Review status: criteria provided, single submitter. Criteria: Invitae Variant Classification Sherloc (09022015). Collection method: clinical testing. Allele origin: germline.
Comment: For these reasons, this variant has been classified as Pathogenic. This premature translational stop signal has been observed in individual(s) with mesothelioma (PMID: 30975761). This variant is not present in population databases (gnomAD no frequency). This sequence change creates a premature translational stop signal (p.Trp52*) in the BAP1 gene. It is expected to result in an absent or disrupted protein product. Loss-of-function variants in BAP1 are known to be pathogenic (PMID: 21874000, 23684012).

Literature cited by the submitters: PubMed 30975761; PubMed 21874000; PubMed 23684012.

NM_004656.4(BAP1):c.156G>A (p.Trp52Ter)

Gene: BAP1 (BRCA1 associated deubiquitinase 1; minus strand). Cytogenetic location: 3p21.1.
Variant type: single nucleotide variant.
Coding change: c.156G>A on transcript NM_004656.4 (MANE Select); coding-DNA position 156, G replaced by A.
Protein change: p.Trp52Ter; replaces tryptophan 52 with a stop codon.
Molecular consequence: nonsense.
Genome position (GRCh38, 1-based): chr3:52,408,573, C>T on the plus strand (G>A on the coding strand, the complement: BAP1 is on the minus strand). VCF-style: chr3-52408573-C-T. GRCh37 (hg19) VCF-style: chr3-52442589-C-T.
Other names: c.156G>A, p.Trp52Ter (NM_001410772.1); short protein forms W52*.
Identifiers: ClinVar variation 2845236 (VCV002845236.3), dbSNP rs2153228333, ClinGen allele CA353113570.
Genomic context (GRCh38, chr3:52,408,573, plus strand): 5'-AATCACGGACGTATCATCCACCAAGGTAGAGACCTTTCGCCGGGACCGGCGCTCTTCGAT[C>T]CATTTGAACAGGAAGATAAATCCATATACAGGGCTGGGGGAAGTAAGGGGCAGAGCCAGA-3'